The following is an entry in ClinVar:

ClinVar aggregate classification (germline): Likely benign. Review status: criteria provided, multiple submitters, no conflicts (2 of 4 stars). 2 submissions from 2 submitters: Likely benign (2). Last evaluated 2018-06-14.

Allele frequency attached by ClinVar (database versions not stated): gnomAD 0.00562 and 0.00565.

Submissions (2):

GeneDx
Classification: Likely benign. Last evaluated: 2018-06-14. Review status: criteria provided, single submitter. Criteria: GeneDx Variant Classification (06012015). Collection method: clinical testing. Allele origin: germline. Affected: yes.
Comment: This variant is considered likely benign or benign based on one or more of the following criteria: it is a conservative change, it occurs at a poorly conserved position in the protein, it is predicted to be benign by multiple in silico algorithms, and/or has population frequency not consistent with disease.

Breakthrough Genomics
Classification: Likely benign. Review status: criteria provided, single submitter. Criteria: ACMG Guidelines, 2015. Collection method: not provided. Allele origin: germline. Inheritance: Autosomal recessive inheritance. Affected: yes.

NM_153676.4(USH1C):c.496+66G>T

Gene: USH1C (USH1 protein network component harmonin; minus strand). Cytogenetic location: 11p15.1.
Variant type: single nucleotide variant.
Coding change: c.496+66G>T on transcript NM_153676.4 (MANE Select); 66 bases into the intron after coding-DNA position 496, G replaced by T.
Molecular consequence: intron variant.
Genome position (GRCh38, 1-based): chr11:17,527,157, C>A on the plus strand (G>T on the coding strand, the complement: USH1C is on the minus strand). VCF-style: chr11-17527157-C-A. GRCh37 (hg19) VCF-style: chr11-17548704-C-A.
Other names: c.496+66G>T (NM_001297764.2, NM_005709.4).
Identifiers: ClinVar variation 678907 (VCV000678907.2), dbSNP rs45552041, ClinGen allele CA218461508.